The following is an entry in ClinVar:

NM_024426.6(WT1):c.319T>G (p.Trp107Gly)

Genes: WT1 (WT1 transcription factor; minus strand), LOC107982234 (WT1/WT1-AS bi-directional promoter region; plus strand). Cytogenetic location: 11p13.
Variant type: single nucleotide variant.
Coding change: c.319T>G on transcript NM_024426.6 (MANE Select); coding-DNA position 319, T replaced by G.
Protein change: p.Trp107Gly; replaces tryptophan 107 with glycine.
Molecular consequence: missense variant. On other transcripts: non-coding transcript variant (1).
Genome position (GRCh38, 1-based): chr11:32,435,042, A>C on the plus strand (T>G on the coding strand, the complement: WT1 is on the minus strand). VCF-style: chr11-32435042-A-C. GRCh37 (hg19) VCF-style: chr11-32456588-A-C.
Other names: c.319T>G, p.Trp107Gly (NM_000378.6, NM_024424.5); short protein forms W107G.
Identifiers: ClinVar variation 1021925 (VCV001021925.9), dbSNP rs1853460114, ClinGen allele CA379965936.

ClinVar aggregate classification (germline): Uncertain significance (1 of 4 stars; one submission).

Conditions:
Frasier syndrome. Identifiers: Orphanet 347, MedGen C0950122, MeSH D052159, MONDO:0007635, OMIM 136680.
Wilms tumor 1 (WT1). Also called: Wilms tumor, somatic. Identifiers: Orphanet 654, MedGen CN033288, MONDO:0008679, OMIM 194070.
Drash syndrome (DDS). Also called: WILMS TUMOR AND PSEUDO- OR TRUE HERMAPHRODITISM; NEPHROPATHY, WILMS TUMOR, AND GENITAL ANOMALIES. Identifiers: Orphanet 220, MedGen C0950121, MONDO:0008682, OMIM 194080.
11p partial monosomy syndrome (WAGR). Also called: WAGR Complex; CHROMOSOME 11p13 DELETION SYNDROME; WAGR Spectrum Disorder; WAGR syndrome. Identifiers: Orphanet 893, MedGen C0206115, MONDO:0008681, OMIM 194072.

Submission:

Labcorp Genetics (formerly Invitae), Labcorp
Classification: Uncertain significance for Wilms tumor 1; Drash syndrome; 11p partial monosomy syndrome; Frasier syndrome. Last evaluated: 2020-09-23. Review status: criteria provided, single submitter. Criteria: Invitae Variant Classification Sherloc (09022015). Collection method: clinical testing. Allele origin: germline.
Comment: In summary, the available evidence is currently insufficient to determine the role of this variant in disease. Therefore, it has been classified as a Variant of Uncertain Significance. Algorithms developed to predict the effect of missense changes on protein structure and function are either unavailable or do not agree on the potential impact of this missense change (SIFT: "Deleterious"; PolyPhen-2: "Possibly Damaging"; Align-GVGD: "Class C0"). This variant has not been reported in the literature in individuals with WT1-related conditions. The frequency data for this variant in the population databases is considered unreliable, as metrics indicate insufficient coverage at this position in the ExAC database. This sequence change replaces tryptophan with glycine at codon 102 of the WT1 protein (p.Trp102Gly). The tryptophan residue is highly conserved and there is a large physicochemical difference between tryptophan and glycine.